The following is an entry in ClinVar:

NM_000660.7(TGFB1):c.788C>T (p.Thr263Ile)

Gene: TGFB1 (transforming growth factor beta 1; minus strand). Cytogenetic location: 19q13.2.
Variant type: single nucleotide variant.
Coding change: c.788C>T on transcript NM_000660.7 (MANE Select); coding-DNA position 788, C replaced by T.
Protein change: p.Thr263Ile; replaces threonine 263 with isoleucine.
Molecular consequence: missense variant.
Genome position (GRCh38, 1-based): chr19:41,341,955, G>A on the plus strand (C>T on the coding strand, the complement: TGFB1 is on the minus strand). VCF-style: chr19-41341955-G-A. GRCh37 (hg19) VCF-style: chr19-41847860-G-A.
Other names: p.Thr263Ile; short protein forms T263I.
Identifiers: ClinVar variation 38903 (VCV000038903.16), dbSNP rs1800472, ClinGen allele CA249355.
Genomic context (GRCh38, chr19:41,341,955, plus strand): 5'-TTGGTGTCCAGGGCTCGGCGGTGCCGGGAGCTTTGCAGATGCTGGGCCCTCTCCAGCGGG[G>A]TGGCCATGAGAAGCAGGAAAGGCCGGTTCATGCCATGAATGGTGGCCAGGTCACCTCGGC-3'
Protein context (NP_000651.3, residues 253-273): MNRPFLLLMA[Thr263Ile]PLERAQHLQS

ClinVar aggregate classification (germline): Benign/Likely benign. Review status: criteria provided, multiple submitters, no conflicts (2 of 4 stars). 6 submissions from 6 submitters: Benign (4); Likely benign (2). Last evaluated 2026-02-04.

Allele frequency attached by ClinVar (database versions not stated): 1000 Genomes Project 0.01078; ExAC 0.02461; gnomAD exomes 0.02591 and 0.02356; ESP Exome Variant Server 0.02053; 1000 Genomes Project 30x 0.01015; gnomAD 0.02287 and 0.02263; TOPMed 0.02062.
gnomAD v4.1: 38,291 of 1,614,180 alleles (2.4%); highest among the groups gnomAD compares: Middle Eastern, 5.9%; 730 homozygotes.

Submissions (6):

Labcorp Genetics (formerly Invitae), Labcorp
Classification: Benign. Last evaluated: 2026-02-04. Review status: criteria provided, single submitter. Criteria: Invitae Variant Classification Sherloc (09022015). Collection method: clinical testing. Allele origin: germline.

Mayo Clinic Laboratories, Mayo Clinic
Classification: Benign. Last evaluated: 2023-12-08. Review status: criteria provided, single submitter. Criteria: ACMG Guidelines, 2015. Collection method: clinical testing. Allele origin: germline. Observed: 3 variant alleles.
Comment: BA1, BS2, BP4

GeneDx
Classification: Likely benign. Last evaluated: 2018-07-09. Review status: criteria provided, single submitter. Criteria: GeneDx Variant Classification Process June 2021. Collection method: clinical testing. Allele origin: germline. Affected: yes.
Comment: This variant is associated with the following publications: (PMID: 26597739, 29728750, 15212689, 17588962, 21777208)

Genomic Diagnostic Laboratory, Division of Genomic Diagnostics, Children's Hospital of Philadelphia
Classification: Benign. Last evaluated: 2015-07-24. Review status: criteria provided, single submitter. Criteria: DGD Variant Analysis Guidelines. Collection method: clinical testing. Allele origin: unknown.

Breakthrough Genomics
Classification: Likely benign. Review status: criteria provided, single submitter. Criteria: ACMG Guidelines, 2015. Collection method: not provided. Allele origin: germline. Inheritance: Autosomal recessive inheritance. Affected: yes.

PreventionGenetics, part of Exact Sciences
Classification: Benign. Review status: criteria provided, single submitter. Criteria: ACMG Guidelines, 2015. Collection method: clinical testing. Allele origin: germline.